The following is an entry in ClinVar:

ClinVar aggregate classification (germline): Pathogenic (1 of 4 stars; one submission).

Submission:

Quest Diagnostics Nichols Institute San Juan Capistrano
Classification: Pathogenic. Last evaluated: 2023-02-07. Review status: criteria provided, single submitter. Criteria: ACMG/ClinGen CNV Guidelines, 2019. Collection method: clinical testing. Allele origin: unknown.
Comment: This interval contains numerous genes that are haploinsufficient, overlaps the Xp21 deletion syndromic region (OMIM 300679, Arai 2012, Heide 2015, Koh 2013, Rathnasiri 2021, Sevim 2011), and also involves part of Xp11.4, which has been observed in patients with a variety of phenotypes (Di Stefano 2015, Reijnders 2016). Furthermore, the loss of MAOA and MOAB is associated with variable phenotypes (O'Leary 2012, Whibley 2010). Thus, based on current medical literature and gene content, this copy number variant (CNV) is classified as pathogenic. References: Arai et al., PLoS One. 2012;7(2):e27782. PMID: 22383943 Di Stefano et al., Gene. 2015 Apr 1;559(2):203-6. PMID: 25620158 Heide et al., Eur J Med Genet. 2015 Jun-Jul;58(6-7):341-5. PMID: 25917374 Koh et al., Ann Pediatr Endocrinol Metab. 2013 Jun;18(2):90-4. PMID: 24904859 O'Leary et al., Eur J Med Genet. 2012 May;55(5):349-53. PMID: 22365943 Rathnasiri et al., BMC Endocr Disord. 2021 Oct 24;21(1):214. PMID: 34689766 Reijnders et al., Am J Hum Genet. 2016 Feb 4;98(2):373-81. PMID: 26833328 Sevim et al., J Pediatr Endocrinol Metab. 2011;24(11-12):1095-8. PMID: 22308874 Whibley et al., Eur J Hum Genet. 2010 Oct;18(10):1095-9. PMID: 20485326

GRCh37/hg19 Xp22.11-11.3(chrX:24633854-44236178)x1

Genes: DYNLT3 (dynein light chain Tctex-type 3; minus strand), ARX (aristaless related homeobox; minus strand), ATP6AP2 (ATPase H+ transporting accessory protein 2; plus strand), BCOR (BCL6 corepressor; minus strand), CASK (calcium/calmodulin dependent serine protein kinase; minus strand) and 48 more. Cytogenetic location: Xp22.11-11.3.
Variant type: copy number loss.
Change: copy number 1 of chrX:24,633,854-44,236,178 (19.60 Mb, GRCh37 coordinates, 1-based), cytogenetic band Xp22.11-11.3.
Identifiers: ClinVar variation 2685701 (VCV002685701.1).